The following is an entry in ClinVar:

ClinVar aggregate classification (germline): Likely benign. Review status: criteria provided, multiple submitters, no conflicts (2 of 4 stars). 4 submissions from 4 submitters: Likely benign (3). 1 of the submissions does not count toward it. Last evaluated 2025-11-10.

Conditions:
Zellweger spectrum disorders (ZS). Also called: Zellweger syndrome; Zellweger Spectrum Disorder (ZSD); Zellweger Spectrum Disorder; Zellweger Spectrum. Identifiers: Orphanet 912, MedGen C0043459, MONDO:0019609.

Allele frequency attached by ClinVar (database versions not stated): gnomAD exomes below 0.00001; TOPMed below 0.00001.
gnomAD v4.1: 5 of 1,611,750 alleles (0.00031%); highest among the groups gnomAD compares: African/African-American, 0.0013%; no homozygotes.

Submissions (4):

Labcorp Genetics (formerly Invitae), Labcorp
Classification: Likely benign for Zellweger spectrum disorders. Last evaluated: 2025-11-10. Review status: criteria provided, single submitter. Criteria: Invitae Variant Classification Sherloc (09022015). Collection method: clinical testing. Allele origin: germline.

Blueprint Genetics
Classification: Likely benign. Last evaluated: 2024-09-20. Review status: criteria provided, single submitter. Criteria: ACMG Guidelines, 2015. Collection method: clinical testing. Allele origin: germline.

CeGaT Center for Human Genetics Tuebingen
Classification: Likely benign. Last evaluated: 2024-07-01. Review status: criteria provided, single submitter. Criteria: CeGaT Center For Human Genetics Tuebingen Variant Classification Criteria Version 2. Collection method: clinical testing. Allele origin: germline. Affected: yes. Observed: 1 variant allele.
Comment: PEX1: PM2:Supporting, BP4, BP7

Natera, Inc.
Classification: Uncertain significance for Zellweger syndrome. Last evaluated: 2018-07-16. Review status: no assertion criteria provided. Collection method: clinical testing. Allele origin: germline. Not counted in ClinVar's aggregate classification.

NM_000466.3(PEX1):c.3108A>G (p.Ala1036=)

Genes: GATAD1 (GATA zinc finger domain containing 1; plus strand), PEX1 (peroxisomal biogenesis factor 1; minus strand). Cytogenetic location: 7q21.2.
Variant type: single nucleotide variant.
Coding change: c.3108A>G on transcript NM_000466.3 (MANE Select); coding-DNA position 3108, A replaced by G.
Protein change: p.Ala1036=; no amino-acid change (alanine 1036 retained).
Molecular consequence: synonymous variant.
Genome position (GRCh38, 1-based): chr7:92,493,052, T>C on the plus strand (A>G on the coding strand, the complement: PEX1 is on the minus strand). VCF-style: chr7-92493052-T-C. GRCh37 (hg19) VCF-style: chr7-92122366-T-C.
Other names: c.2937A>G, p.Ala979= (NM_001282677.2); c.2484A>G, p.Ala828= (NM_001282678.2).
Identifiers: ClinVar variation 942482 (VCV000942482.30), dbSNP rs1030151030, ClinGen allele CA161954420.